The following is an entry in ClinVar:

ClinVar aggregate classification (germline): Uncertain significance. Review status: criteria provided, multiple submitters, no conflicts (2 of 4 stars). 2 submissions from 2 submitters: Uncertain significance (2). Last evaluated 2026-01-13.

Conditions:
Inborn genetic diseases. Identifiers: MedGen C0950123, MeSH D030342.

Allele frequency attached by ClinVar (database versions not stated): gnomAD 0.00001; TOPMed 0.00001.
gnomAD v4.1: 8 of 1,613,944 alleles (0.0005%); highest among the groups gnomAD compares: African/African-American, 0.0013%; no homozygotes.

Submissions (2):

Labcorp Genetics (formerly Invitae), Labcorp
Classification: Uncertain significance. Last evaluated: 2026-01-13. Review status: criteria provided, single submitter. Criteria: Invitae Variant Classification Sherloc (09022015). Collection method: clinical testing. Allele origin: germline.
Comment: This sequence change replaces proline, which is neutral and non-polar, with alanine, which is neutral and non-polar, at codon 420 of the TRPV6 protein (p.Pro420Ala). This variant is not present in population databases (gnomAD no frequency). This variant has not been reported in the literature in individuals affected with TRPV6-related conditions. ClinVar contains an entry for this variant (Variation ID: 2205139). Experimental studies and prediction algorithms are not available or were not evaluated, and the functional significance of this variant is currently unknown. In summary, the available evidence is currently insufficient to determine the role of this variant in disease. Therefore, it has been classified as a Variant of Uncertain Significance.

Ambry Genetics
Classification: Uncertain significance for Inborn genetic diseases. Last evaluated: 2021-09-01. Review status: criteria provided, single submitter. Criteria: Ambry Variant Classification Scheme 2023. Collection method: clinical testing. Allele origin: germline.

NM_018646.6(TRPV6):c.1258C>G (p.Pro420Ala)

Gene: TRPV6 (transient receptor potential cation channel subfamily V member 6; minus strand). Cytogenetic location: 7q34.
Variant type: single nucleotide variant.
Coding change: c.1258C>G on transcript NM_018646.6 (MANE Select); coding-DNA position 1258, C replaced by G.
Protein change: p.Pro420Ala; replaces proline 420 with alanine.
Molecular consequence: missense variant.
Genome position (GRCh38, 1-based): chr7:142,875,149, G>C on the plus strand (C>G on the coding strand, the complement: TRPV6 is on the minus strand). VCF-style: chr7-142875149-G-C. GRCh37 (hg19) VCF-style: chr7-142572902-G-C.
Other names: short protein forms P420A.
Identifiers: ClinVar variation 2205139 (VCV002205139.5), dbSNP rs745870269, ClinGen allele CA168190324.